The following is an entry in ClinVar:

ClinVar aggregate classification (germline): Uncertain significance (1 of 4 stars; one submission).

Conditions:
Developmental and epileptic encephalopathy, 76. Also called: EPILEPTIC ENCEPHALOPATHY, EARLY INFANTILE, 76; DEVELOPMENTAL DELAY, EPILEPTIC ENCEPHALOPATHY, CEREBRAL ATROPHY, AND ABNORMAL MYELINATION. Identifiers: MedGen C5193113, MONDO:0032768, OMIM 618468.

gnomAD v4.1: 2 of 1,611,488 alleles (0.00012%); highest among the groups gnomAD compares: Admixed American, 0.0033%; no homozygotes.

Submission:

3billion
Classification: Uncertain significance for Developmental and epileptic encephalopathy, 76. Last evaluated: 2025-04-22. Review status: criteria provided, single submitter. Criteria: ACMG Guidelines, 2015. Collection method: clinical testing. Allele origin: germline. Affected: yes.
Comment: The variant is observed at an extremely low frequency in the gnomAD v4.1.0 dataset (total allele frequency: <0.001%). Predicted Consequence/Location: Intron variant. In silico tools predict the variant to alter splicing and produce an abnormal transcript [SpliceAI: 0.37 (>=0.2, moderate evidence for spliceogenicity)].Therefore, this variant is classified as VUS according to the recommendation of ACMG/AMP guideline.

NM_016188.5(ACTL6B):c.936+24G>A

Gene: ACTL6B (actin like 6B; minus strand). Cytogenetic location: 7q22.1.
Variant type: single nucleotide variant.
Coding change: c.936+24G>A on transcript NM_016188.5 (MANE Select); 24 bases into the intron after coding-DNA position 936, G replaced by A.
Molecular consequence: intron variant.
Genome position (GRCh38, 1-based): chr7:100,646,947, C>T on the plus strand (G>A on the coding strand, the complement: ACTL6B is on the minus strand). VCF-style: chr7-100646947-C-T. GRCh37 (hg19) VCF-style: chr7-100244570-C-T.
Identifiers: ClinVar variation 4291813 (VCV004291813.1).